The following is an entry in ClinVar:

ClinVar aggregate classification (germline): Benign/Likely benign. Review status: criteria provided, multiple submitters, no conflicts (2 of 4 stars). 12 submissions from 11 submitters: Benign (4); Likely benign (6). 2 of the submissions do not count toward it. Last evaluated 2026-07-01.

Conditions:
FLCN-related disorder. Also called: FLCN-related condition.
Birt-Hogg-Dube syndrome 1 (BHD1). Also called: FIBROFOLLICULOMAS WITH TRICHODISCOMAS AND ACROCHORDONS. Identifiers: Orphanet 122, MedGen CN375946, MONDO:0800445, OMIM 135150.
Hereditary cancer-predisposing syndrome. Also called: Neoplastic Syndromes, Hereditary; Tumor predisposition; Hereditary Cancer Syndrome; Hereditary neoplastic syndrome. Identifiers: Orphanet 140162, MedGen C0027672, MeSH D009386, MONDO:0015356.
Familial spontaneous pneumothorax (PSP). Identifiers: Orphanet 2903, MedGen C1868193, MONDO:0008259, OMIM 173600.
Birt-Hogg-Dube syndrome. Also called: Birt Hogg Dubé syndrome. Identifiers: Orphanet 122, MedGen C0346010, MONDO:0800444.

Allele frequency attached by ClinVar (database versions not stated): ESP Exome Variant Server 0.00008; gnomAD 0.00014 and 0.00015; 1000 Genomes Project 0.00020; TOPMed 0.00026; 1000 Genomes Project 30x 0.00031.
gnomAD v4.1: 178 of 1,614,076 alleles (0.011%); highest among the groups gnomAD compares: Admixed American, 0.22%; no homozygotes.

Submissions (12):

CeGaT Center for Human Genetics Tuebingen
Classification: Likely benign. Last evaluated: 2026-07-01. Review status: criteria provided, single submitter. Criteria: CeGaT Center For Human Genetics Tuebingen Variant Classification Criteria Version 2. Collection method: clinical testing. Allele origin: germline. Affected: yes. Observed: 1 variant allele.
Comment: FLCN: BP4, BP7, BS1

Women's Health and Genetics/Laboratory Corporation of America, LabCorp
Classification: Benign. Last evaluated: 2026-05-15. Review status: criteria provided, single submitter. Criteria: LabCorp Variant Classification Summary - May 2015. Collection method: clinical testing. Allele origin: germline.

Labcorp Genetics (formerly Invitae), Labcorp
Classification: Benign for Birt-Hogg-Dube syndrome. Last evaluated: 2026-02-04. Review status: criteria provided, single submitter. Criteria: Invitae Variant Classification Sherloc (09022015). Collection method: clinical testing. Allele origin: germline.

Myriad Genetics, Inc.
Classification: Benign for Birt-Hogg-Dube syndrome 1. Last evaluated: 2024-10-24. Review status: criteria provided, single submitter. Criteria: Myriad Autosomal Dominant, Autosomal Recessive and X-Linked Classification Criteria (2023). Collection method: clinical testing. Allele origin: unknown.
Comment: This variant is considered benign. This variant is a silent/synonymous amino acid change and it is not expected to impact splicing.

ARUP Laboratories, Molecular Genetics and Genomics, ARUP Laboratories
Classification: Likely benign. Last evaluated: 2024-02-02. Review status: criteria provided, single submitter. Criteria: ARUP Molecular Germline Variant Investigation Process 2024. Collection method: clinical testing. Allele origin: germline.

Sema4
Classification: Likely benign for Hereditary cancer-predisposing syndrome. Last evaluated: 2022-03-02. Review status: criteria provided, single submitter. Criteria: Sema4 Curation Guidelines. Collection method: curation. Allele origin: germline.

GeneDx
Classification: Likely benign. Last evaluated: 2018-08-03. Review status: criteria provided, single submitter. Criteria: GeneDx Variant Classification Process June 2021. Collection method: clinical testing. Allele origin: germline. Affected: yes.

Illumina Laboratory Services, Illumina
Classification: Benign for Birt-Hogg-Dube syndrome 1. Last evaluated: 2018-01-12. Review status: criteria provided, single submitter. Criteria: ICSL Variant Classification Criteria 13 December 2019. Collection method: clinical testing. Allele origin: germline.
Comment: This variant was observed in the ICSL laboratory as part of a predisposition screen in an ostensibly healthy population. It had not been previously curated by ICSL or reported in the Human Gene Mutation Database (HGMD: prior to June 1st, 2018), and was therefore a candidate for classification through an automated scoring system. Utilizing variant allele frequency, disease prevalence and penetrance estimates, and inheritance mode, an automated score was calculated to assess if this variant is too frequent to cause the disease. Based on the score and internal cut-off values, a variant classified as benign is not then subjected to further curation. The score for this variant resulted in a classification of benign for this disease.

Illumina Laboratory Services, Illumina
Classification: Likely benign for Familial spontaneous pneumothorax. Last evaluated: 2018-01-12. Review status: criteria provided, single submitter. Criteria: ICSL Variant Classification Criteria 13 December 2019. Collection method: clinical testing. Allele origin: germline.
Comment: This variant was observed in the ICSL laboratory as part of a predisposition screen in an ostensibly healthy population. It had not been previously curated by ICSL or reported in the Human Gene Mutation Database (HGMD: prior to June 1st, 2018), and was therefore a candidate for classification through an automated scoring system. Utilizing variant allele frequency, disease prevalence and penetrance estimates, and inheritance mode, an automated score was calculated to assess if this variant is too frequent to cause the disease. Based on the score and internal cut-off values, a variant classified as likely benign is not then subjected to further curation. The score for this variant resulted in a classification of likely benign for this disease.

Ambry Genetics
Classification: Likely benign for Hereditary cancer-predisposing syndrome. Last evaluated: 2014-11-24. Review status: criteria provided, single submitter. Criteria: Ambry Variant Classification Scheme 2023. Collection method: clinical testing. Allele origin: germline.

Genetic Services Laboratory, University of Chicago
Classification: Likely benign. Last evaluated: 2022-11-13. Review status: no assertion criteria provided. Collection method: clinical testing. Allele origin: germline. Affected: no. Not counted in ClinVar's aggregate classification.

PreventionGenetics, part of Exact Sciences
Classification: Likely benign for FLCN-related condition. Last evaluated: 2022-04-04. Review status: no assertion criteria provided. Collection method: clinical testing. Allele origin: germline. Not counted in ClinVar's aggregate classification.
Comment: This variant is classified as likely benign based on ACMG/AMP sequence variant interpretation guidelines (Richards et al. 2015 PMID: 25741868, with internal and published modifications).

NM_144997.7(FLCN):c.1332C>T (p.Ala444=)

Gene: FLCN (folliculin; minus strand). Cytogenetic location: 17p11.2.
Variant type: single nucleotide variant.
Coding change: c.1332C>T on transcript NM_144997.7 (MANE Select); coding-DNA position 1332, C replaced by T.
Protein change: p.Ala444=; no amino-acid change (alanine 444 retained).
Molecular consequence: synonymous variant.
Genome position (GRCh38, 1-based): chr17:17,215,285, G>A on the plus strand (C>T on the coding strand, the complement: FLCN is on the minus strand). VCF-style: chr17-17215285-G-A. GRCh37 (hg19) VCF-style: chr17-17118599-G-A.
Other names: c.1386C>T, p.Ala462= (NM_001353229.2); c.1332C>T, p.Ala444= (NM_001353230.2, NM_001353231.2).
Identifiers: ClinVar variation 80367 (VCV000080367.32), dbSNP rs141283741, ClinGen allele CA8416027.